The following is an entry in ClinVar:

NM_001001331.4(ATP2B2):c.1192G>A (p.Gly398Arg)

Gene: ATP2B2 (ATPase plasma membrane Ca2+ transporting 2; minus strand). Cytogenetic location: 3p25.3.
Variant type: single nucleotide variant.
Coding change: c.1192G>A on transcript NM_001001331.4 (MANE Select); coding-DNA position 1192, G replaced by A.
Protein change: p.Gly398Arg; replaces glycine 398 with arginine.
Molecular consequence: missense variant.
Genome position (GRCh38, 1-based): chr3:10,378,261, C>T on the plus strand (G>A on the coding strand, the complement: ATP2B2 is on the minus strand). VCF-style: chr3-10378261-C-T. GRCh37 (hg19) VCF-style: chr3-10419945-C-T.
Other names: c.1057G>A, p.Gly353Arg (NM_001330611.3, NM_001353564.1, NM_001363862.1 and 2 more transcripts); c.1099G>A, p.Gly367Arg (NM_001438646.1); short protein forms G398R, G353R, G367R.
Identifiers: ClinVar variation 4087851 (VCV004087851.5).

ClinVar aggregate classification (germline): Uncertain significance. Review status: criteria provided, multiple submitters, no conflicts (2 of 4 stars). 2 submissions from 2 submitters: Uncertain significance (2). Last evaluated 2026-04-01.

Submissions (2):

CeGaT Center for Human Genetics Tuebingen
Classification: Uncertain significance. Last evaluated: 2026-04-01. Review status: criteria provided, single submitter. Criteria: CeGaT Center For Human Genetics Tuebingen Variant Classification Criteria Version 2. Collection method: clinical testing. Allele origin: germline. Affected: yes. Observed: 1 variant allele.
Comment: ATP2B2: PM2, PP3

GeneDx
Classification: Uncertain significance. Last evaluated: 2025-03-24. Review status: criteria provided, single submitter. Criteria: GeneDx Variant Classification Process June 2021. Collection method: clinical testing. Allele origin: germline. Affected: yes.
Comment: Not observed at significant frequency in large population cohorts (gnomAD); In silico analysis supports that this missense variant has a deleterious effect on protein structure/function; Has not been previously published as pathogenic or benign to our knowledge